The following is an entry in ClinVar:

ClinVar aggregate classification (germline): Pathogenic (1 of 4 stars; one submission).

Conditions:
LAMA2-related muscular dystrophy (LAMA2-RD). Also called: Laminin alpha 2-related dystrophy. Identifiers: MedGen C5679788, MONDO:0100228.

Submission:

Labcorp Genetics (formerly Invitae), Labcorp
Classification: Pathogenic for LAMA2-related muscular dystrophy. Last evaluated: 2022-07-06. Review status: criteria provided, single submitter. Criteria: Invitae Variant Classification Sherloc (09022015). Collection method: clinical testing. Allele origin: germline.
Comment: This sequence change creates a premature translational stop signal (p.Arg1674*) in the LAMA2 gene. It is expected to result in an absent or disrupted protein product. Loss-of-function variants in LAMA2 are known to be pathogenic (PMID: 18700894, 32904964). This variant is not present in population databases (gnomAD no frequency). This variant has not been reported in the literature in individuals affected with LAMA2-related conditions. For these reasons, this variant has been classified as Pathogenic.

Literature cited by the submitters: PubMed 18700894; PubMed 32904964.

NM_000426.4(LAMA2):c.5020A>T (p.Arg1674Ter)

Gene: LAMA2 (laminin subunit alpha 2; plus strand). Cytogenetic location: 6q22.33.
Variant type: single nucleotide variant.
Coding change: c.5020A>T on transcript NM_000426.4 (MANE Select); coding-DNA position 5020, A replaced by T.
Protein change: p.Arg1674Ter; replaces arginine 1674 with a stop codon.
Molecular consequence: nonsense.
Genome position (GRCh38, 1-based): chr6:129,383,182, A>T. VCF-style: chr6-129383182-A-T. GRCh37 (hg19) VCF-style: chr6-129704327-A-T.
Other names: c.5020A>T, p.Arg1674Ter (NM_001079823.2); short protein forms R1674*.
Identifiers: ClinVar variation 2062618 (VCV002062618.4), dbSNP rs2482690703, ClinGen allele CA365628676.
Genomic context (GRCh38, chr6:129,383,182, plus strand): 5'-GCTACCAAAGTGACAGCAGATGGCGAGCAGACCGGACAGGATGCTGAGAGGACCAACACA[A>T]GAGCAAAGTCCCTGGGAGAATTCATTAAGGAGCTTGCCCGGGATGCAGAAGGTATTAGAA-3'